The following is an entry in ClinVar:

NM_000096.4(CP):c.3130G>A (p.Asp1044Asn)

Gene: CP (ceruloplasmin; minus strand). Cytogenetic location: 3q24.
Variant type: single nucleotide variant.
Coding change: c.3130G>A on transcript NM_000096.4 (MANE Select); coding-DNA position 3130, G replaced by A.
Protein change: p.Asp1044Asn; replaces aspartic acid 1044 with asparagine.
Molecular consequence: missense variant.
Genome position (GRCh38, 1-based): chr3:149,176,301, C>T on the plus strand (G>A on the coding strand, the complement: CP is on the minus strand). VCF-style: chr3-149176301-C-T. GRCh37 (hg19) VCF-style: chr3-148894088-C-T.
Other names: short protein forms D1044N.
Identifiers: ClinVar variation 902448 (VCV000902448.9), dbSNP rs149217680, ClinGen allele CA2660553.

ClinVar aggregate classification (germline): Uncertain significance. Review status: criteria provided, multiple submitters, no conflicts (2 of 4 stars). 4 submissions from 4 submitters: Uncertain significance (4). Last evaluated 2024-05-20.

Conditions:
Deficiency of ferroxidase (ACEP). Also called: Aceruloplasminemia; Ceruloplasmin deficiency; Familial apoceruloplasmin deficiency; Hereditary ceruloplasmin deficiency; Deficiency of ceruloplasmin; NEURODEGENERATION WITH BRAIN IRON ACCUMULATION 10. Identifiers: Orphanet 48818, MedGen C0878682, MONDO:0011426, OMIM 604290, HP:0025498.

Allele frequency attached by ClinVar (database versions not stated): gnomAD 0.00006 and 0.00007; TOPMed 0.00008; gnomAD exomes 0.00013 and 0.00017; ESP Exome Variant Server 0.00015; 1000 Genomes Project 30x 0.00016; ExAC 0.00016; 1000 Genomes Project 0.00020.
gnomAD v4.1: 255 of 1,613,158 alleles (0.016%); highest among the groups gnomAD compares: South Asian, 0.055%; no homozygotes.

Submissions (4):

Fulgent Genetics
Classification: Uncertain significance for Deficiency of ferroxidase. Last evaluated: 2024-05-20. Review status: criteria provided, single submitter. Criteria: ACMG Guidelines, 2015. Collection method: clinical testing. Allele origin: germline.

GeneDx
Classification: Uncertain significance. Last evaluated: 2024-05-15. Review status: criteria provided, single submitter. Criteria: GeneDx Variant Classification Process June 2021. Collection method: clinical testing. Allele origin: germline. Affected: yes.
Comment: In silico analysis supports that this missense variant has a deleterious effect on protein structure/function; Has not been previously published as pathogenic or benign to our knowledge

Labcorp Genetics (formerly Invitae), Labcorp
Classification: Uncertain significance for Deficiency of ferroxidase. Last evaluated: 2021-12-03. Review status: criteria provided, single submitter. Criteria: Invitae Variant Classification Sherloc (09022015). Collection method: clinical testing. Allele origin: germline.
Comment: This sequence change replaces aspartic acid, which is acidic and polar, with asparagine, which is neutral and polar, at codon 1044 of the CP protein (p.Asp1044Asn). This variant is present in population databases (rs149217680, gnomAD 0.06%). This variant has not been reported in the literature in individuals affected with CP-related conditions. ClinVar contains an entry for this variant (Variation ID: 902448). Algorithms developed to predict the effect of missense changes on protein structure and function are either unavailable or do not agree on the potential impact of this missense change (SIFT: "Deleterious"; PolyPhen-2: "Benign"; Align-GVGD: "Class C15"). In summary, the available evidence is currently insufficient to determine the role of this variant in disease. Therefore, it has been classified as a Variant of Uncertain Significance.

Illumina Laboratory Services, Illumina
Classification: Uncertain significance for Deficiency of ferroxidase. Last evaluated: 2018-01-15. Review status: criteria provided, single submitter. Criteria: ICSL Variant Classification Criteria 13 December 2019. Collection method: clinical testing. Allele origin: germline.